The following is an entry in ClinVar:

ClinVar aggregate classification (germline): Likely pathogenic (0 of 4 stars; one submission).

Conditions:
Neuronal ceroid lipofuscinosis 1 (CLN1). Also called: CEROID LIPOFUSCINOSIS, NEURONAL, 1, VARIABLE AGE AT ONSET; PPT1-Related Neuronal Ceroid-Lipofuscinosis. Identifiers: Orphanet 228329, MedGen C1850451, MONDO:0009744, OMIM 256730.

Submission:

Juha Muilu Group; Institute for Molecular Medicine Finland (FIMM)
Classification: Likely pathogenic for Ceroid lipofuscinosis neuronal 1. Review status: no assertion criteria provided. Collection method: not provided. Allele origin: unknown.
Comment: FinDis database variant: This variant was not found or characterized by our laboratory, data were collected from public sources: see reference
ClinVar note: Converted during submission from probable-pathogenic to Likely pathogenic.

NM_000310.4(PPT1):c.125-2A>G

Gene: PPT1 (palmitoyl-protein thioesterase 1; minus strand). Cytogenetic location: 1p34.2.
Variant type: single nucleotide variant.
Coding change: c.125-2A>G on transcript NM_000310.4 (MANE Select); the canonical splice acceptor site of the intron before coding-DNA position 125, A replaced by G.
Molecular consequence: splice acceptor variant. On other transcripts: intron variant (1).
Genome position (GRCh38, 1-based): chr1:40,092,509, T>C on the plus strand (A>G on the coding strand, the complement: PPT1 is on the minus strand). VCF-style: chr1-40092509-T-C. GRCh37 (hg19) VCF-style: chr1-40558181-T-C.
Other names: c.125-2997A>G (NM_001142604.2); c.125-2A>G (NM_001363695.2).
Identifiers: ClinVar variation 56178 (VCV000056178.2), dbSNP rs386833630, ClinGen allele CA263472.